The following is an entry in ClinVar:

NM_001347721.2(DYRK1A):c.2177G>A (p.Gly726Glu)

Gene: DYRK1A (dual specificity tyrosine phosphorylation regulated kinase 1A; plus strand). Cytogenetic location: 21q22.13.
Variant type: single nucleotide variant.
Coding change: c.2177G>A on transcript NM_001347721.2 (MANE Select); coding-DNA position 2177, G replaced by A.
Protein change: p.Gly726Glu; replaces glycine 726 with glutamic acid.
Molecular consequence: missense variant. On other transcripts: 3 prime UTR variant (2).
Genome position (GRCh38, 1-based): chr21:37,512,443, G>A. VCF-style: chr21-37512443-G-A. GRCh37 (hg19) VCF-style: chr21-38884746-G-A.
Other names: c.2177G>A, p.Gly726Glu (NM_001347722.2, NM_130436.2); c.2090G>A, p.Gly697Glu (NM_001347723.2); c.2204G>A, p.Gly735Glu (NM_001396.5); c.*580G>A (NM_101395.2); c.*489G>A (NM_130438.2); short protein forms G726E, G735E, G697E.
Identifiers: ClinVar variation 1525819 (VCV001525819.8), dbSNP rs1398691994, ClinGen allele CA409941538.

ClinVar aggregate classification (germline): Uncertain significance (1 of 4 stars; one submission).

Conditions:
DYRK1A-related intellectual disability syndrome (MRD7). Also called: Intellectual developmental disorder, autosomal dominant 7; DYRK1A Syndrome. Identifiers: Orphanet 464306, MedGen C5568143, MONDO:0013578, OMIM 614104.

Allele frequency attached by ClinVar (database versions not stated): gnomAD exomes below 0.00001; TOPMed below 0.00001.
gnomAD v4.1: 8 of 1,614,220 alleles (0.0005%); highest among the groups gnomAD compares: Non-Finnish European, 0.00051%; no homozygotes.

Submission:

Labcorp Genetics (formerly Invitae), Labcorp
Classification: Uncertain significance for DYRK1A-related intellectual disability syndrome. Last evaluated: 2022-12-02. Review status: criteria provided, single submitter. Criteria: Invitae Variant Classification Sherloc (09022015). Collection method: clinical testing. Allele origin: germline.
Comment: This sequence change replaces glycine, which is neutral and non-polar, with glutamic acid, which is acidic and polar, at codon 735 of the DYRK1A protein (p.Gly735Glu). In summary, the available evidence is currently insufficient to determine the role of this variant in disease. Therefore, it has been classified as a Variant of Uncertain Significance. Algorithms developed to predict the effect of missense changes on protein structure and function are either unavailable or do not agree on the potential impact of this missense change (SIFT: "Deleterious"; PolyPhen-2: "Probably Damaging"; Align-GVGD: "Class C0"). ClinVar contains an entry for this variant (Variation ID: 1525819). This variant has not been reported in the literature in individuals affected with DYRK1A-related conditions. This variant is present in population databases (no rsID available, gnomAD 0.0009%).